The following is an entry in ClinVar:

NM_000051.4(ATM):c.5615G>A (p.Ser1872Asn)

Gene: ATM (ATM serine/threonine kinase; plus strand). Cytogenetic location: 11q22.3.
Variant type: single nucleotide variant.
Coding change: c.5615G>A on transcript NM_000051.4 (MANE Select); coding-DNA position 5615, G replaced by A.
Protein change: p.Ser1872Asn; replaces serine 1872 with asparagine.
Molecular consequence: missense variant.
Genome position (GRCh38, 1-based): chr11:108,304,793, G>A. VCF-style: chr11-108304793-G-A. GRCh37 (hg19) VCF-style: chr11-108175520-G-A.
Other names: c.5615G>A, p.Ser1872Asn (NM_001351834.2); short protein forms S1872N.
Identifiers: ClinVar variation 1005729 (VCV001005729.10), dbSNP rs761257154, ClinGen allele CA382546314.

ClinVar aggregate classification (germline): Conflicting classifications of pathogenicity. Review status: criteria provided, conflicting classifications (1 of 4 stars). 3 submissions from 3 submitters: Uncertain significance (2); Likely benign (1). Last evaluated 2025-03-04.

Conditions:
Hereditary cancer-predisposing syndrome. Also called: Hereditary neoplastic syndrome; Neoplastic Syndromes, Hereditary; Tumor predisposition; Hereditary Cancer Syndrome. Identifiers: Orphanet 140162, MedGen C0027672, MeSH D009386, MONDO:0015356.
Ataxia-telangiectasia syndrome (AT). Also called: Ataxia-telangiectasia, complementation group D; AT, COMPLEMENTATION GROUP C; ATAXIA-TELANGIECTASIA, COMPLEMENTATION GROUP A; ATAXIA-TELANGIECTASIA, FRESNO VARIANT; Ataxia-telangiectasia; Cerebello-oculocutaneous telangiectasia. Identifiers: Orphanet 100, MedGen C0004135, MONDO:0008840, OMIM 208900.

gnomAD v4.1: 2 of 1,613,824 alleles (0.00012%); highest among the groups gnomAD compares: Non-Finnish European, 0.00017%; no homozygotes.

Submissions (3):

Center for Genomic Medicine, Rigshospitalet, Copenhagen University Hospital
Classification: Uncertain significance. Last evaluated: 2025-03-04. Review status: criteria provided, single submitter. Criteria: ACMG Guidelines, 2015. Collection method: clinical testing. Allele origin: germline.

Labcorp Genetics (formerly Invitae), Labcorp
Classification: Uncertain significance for Ataxia-telangiectasia syndrome. Last evaluated: 2022-08-09. Review status: criteria provided, single submitter. Criteria: Invitae Variant Classification Sherloc (09022015). Collection method: clinical testing. Allele origin: germline.
Comment: This sequence change replaces serine, which is neutral and polar, with asparagine, which is neutral and polar, at codon 1872 of the ATM protein (p.Ser1872Asn). This variant is not present in population databases (gnomAD no frequency). This variant has not been reported in the literature in individuals affected with ATM-related conditions. ClinVar contains an entry for this variant (Variation ID: 1005729). Advanced modeling of protein sequence and biophysical properties (such as structural, functional, and spatial information, amino acid conservation, physicochemical variation, residue mobility, and thermodynamic stability) performed at Invitae indicates that this missense variant is not expected to disrupt ATM protein function. In summary, the available evidence is currently insufficient to determine the role of this variant in disease. Therefore, it has been classified as a Variant of Uncertain Significance.

Ambry Genetics
Classification: Likely benign for Hereditary cancer-predisposing syndrome. Last evaluated: 2020-02-18. Review status: criteria provided, single submitter. Criteria: Ambry Variant Classification Scheme 2023. Collection method: clinical testing. Allele origin: germline.